The following is an entry in ClinVar:

ClinVar aggregate classification (germline): Uncertain significance (1 of 4 stars; one submission).

Conditions:
Inborn genetic diseases. Identifiers: MedGen C0950123, MeSH D030342.

Allele frequency attached by ClinVar (database versions not stated): gnomAD exomes below 0.00001; ExAC 0.00001; gnomAD 0.00001; TOPMed 0.00001.
gnomAD v4.1: 3 of 1,614,054 alleles (0.00019%); highest among the groups gnomAD compares: East Asian, 0.0045%; no homozygotes.

Submission:

Ambry Genetics
Classification: Uncertain significance for Inborn genetic diseases. Last evaluated: 2024-05-11. Review status: criteria provided, single submitter. Criteria: Ambry Variant Classification Scheme 2023. Collection method: clinical testing. Allele origin: germline.
Comment: The p.S630F variant (also known as c.1889C>T), located in coding exon 12 of the EPAS1 gene, results from a C to T substitution at nucleotide position 1889. The serine at codon 630 is replaced by phenylalanine, an amino acid with highly dissimilar properties. This amino acid position is conserved. In addition, this alteration is predicted to be deleterious by in silico analysis. Since supporting evidence is limited at this time, the clinical significance of this alteration remains unclear.

NM_001430.5(EPAS1):c.1889C>T (p.Ser630Phe)

Gene: EPAS1 (endothelial PAS domain protein 1; plus strand). Cytogenetic location: 2p21.
Variant type: single nucleotide variant.
Coding change: c.1889C>T on transcript NM_001430.5 (MANE Select); coding-DNA position 1889, C replaced by T.
Protein change: p.Ser630Phe; replaces serine 630 with phenylalanine.
Molecular consequence: missense variant.
Genome position (GRCh38, 1-based): chr2:46,380,561, C>T. VCF-style: chr2-46380561-C-T. GRCh37 (hg19) VCF-style: chr2-46607700-C-T.
Other names: short protein forms S630F.
Identifiers: ClinVar variation 1782025 (VCV001782025.3), dbSNP rs766914476, ClinGen allele CA1645140.